The following is an entry in ClinVar:

ClinVar aggregate classification (germline): Uncertain significance (1 of 4 stars; one submission).

Allele frequency attached by ClinVar (database versions not stated): TOPMed 0.00002.

Submission:

Labcorp Genetics (formerly Invitae), Labcorp
Classification: Uncertain significance. Last evaluated: 2025-10-16. Review status: criteria provided, single submitter. Criteria: Invitae Variant Classification Sherloc (09022015). Collection method: clinical testing. Allele origin: germline.
Comment: This sequence change replaces leucine, which is neutral and non-polar, with valine, which is neutral and non-polar, at codon 941 of the ADNP protein (p.Leu941Val). This variant is not present in population databases (gnomAD no frequency). This variant has not been reported in the literature in individuals affected with ADNP-related conditions. ClinVar contains an entry for this variant (Variation ID: 2881308). An algorithm developed to predict the effect of missense changes on protein structure and function (PolyPhen-2) suggests that this variant is likely to be tolerated. In summary, the available evidence is currently insufficient to determine the role of this variant in disease. Therefore, it has been classified as a Variant of Uncertain Significance.

NM_001282531.3(ADNP):c.2821T>G (p.Leu941Val)

Gene: ADNP (activity dependent neuroprotector homeobox; minus strand). Cytogenetic location: 20q13.13.
Variant type: single nucleotide variant.
Coding change: c.2821T>G on transcript NM_001282531.3 (MANE Select); coding-DNA position 2821, T replaced by G.
Protein change: p.Leu941Val; replaces leucine 941 with valine.
Molecular consequence: missense variant.
Genome position (GRCh38, 1-based): chr20:50,891,893, A>C on the plus strand (T>G on the coding strand, the complement: ADNP is on the minus strand). VCF-style: chr20-50891893-A-C. GRCh37 (hg19) VCF-style: chr20-49508430-A-C.
Other names: c.2821T>G, p.Leu941Val (NM_001282532.2, NM_001347511.2, NM_015339.5 and 1 more transcripts); short protein forms L941V.
Identifiers: ClinVar variation 2881308 (VCV002881308.3), dbSNP rs1980785658, ClinGen allele CA408967722.